The following is an entry in ClinVar:

ClinVar aggregate classification (germline): Likely benign (1 of 4 stars; one submission).

Conditions:
Familial cancer of breast. Also called: Hereditary breast cancer; BREAST CANCER, FAMILIAL; hereditary breast carcinoma. Identifiers: Orphanet 227535, MedGen C0346153, MONDO:0016419, OMIM 114480. Disease mechanism: loss of function.

Submission:

Myriad Genetics, Inc.
Classification: Likely benign for Familial cancer of breast. Last evaluated: 2024-10-03. Review status: criteria provided, single submitter. Criteria: Myriad Autosomal Dominant, Autosomal Recessive and X-Linked Classification Criteria (2023). Collection method: clinical testing. Allele origin: unknown.
Comment: This variant is considered likely benign. This variant is intronic and is not expected to impact mRNA splicing.

NM_007194.4(CHEK2):c.684-16_684-15del

Gene: CHEK2 (checkpoint kinase 2; minus strand). Cytogenetic location: 22q12.1.
Variant type: Deletion.
Coding change: c.684-16_684-15del on transcript NM_007194.4 (MANE Select); 16 bases into the intron before coding-DNA position 684 through 15 bases into the intron before coding-DNA position 684, 2 bases deleted (TT; older notation c.684-16_684-15delTT).
Molecular consequence: intron variant.
Genome position (GRCh38, 1-based): chr22:28,712,032-28,712,033, AA deleted on the plus strand (TT on the coding strand, the reverse complement: CHEK2 is on the minus strand); deleting any 2 consecutive bases within chr22:28,712,032-28,712,034 gives the same sequence; the c. name uses the placement nearest the transcript's 3' end. VCF-style (leftmost placement, unchanged base first): chr22-28712031-CAA-C. GRCh37 (hg19) VCF-style: chr22-29108019-CAA-C.
Other names: c.21-16_21-15del (NM_001437942.1, NM_001257387.3); c.483-16_483-15del (NM_001349956.3); c.684-16_684-15del (NM_145862.3); c.777-16_777-15del (NM_001438295.1, NM_001438293.1); c.813-16_813-15del (NM_001438294.1, NM_001005735.3).
Identifiers: ClinVar variation 3772940 (VCV003772940.1).